The following is an entry in ClinVar:

ClinVar aggregate classification (germline): Benign (1 of 4 stars; one submission).

Conditions:
Amyotrophic lateral sclerosis type 6. Also called: FUS-Related Amyotrophic Laterial Sclerosis; AMYOTROPHIC LATERAL SCLEROSIS 6 WITHOUT FRONTOTEMPORAL DEMENTIA; Amyotrophic lateral sclerosis 6, with or without frontotemporal dementia. Identifiers: Orphanet 275872, Orphanet 803, MedGen C2931786, MONDO:0011951, OMIM 608030.

Allele frequency attached by ClinVar (database versions not stated): gnomAD 0.00052 and 0.00004; 1000 Genomes Project 30x 0.00250; gnomAD exomes 0.00345 and 0.00355; ExAC 0.01488; 1000 Genomes Project 0.00280.
gnomAD v4.1: 1,286 of 509,270 alleles (0.25%); highest among the groups gnomAD compares: South Asian, 2%; 26 homozygotes.

Submission:

Illumina Laboratory Services, Illumina
Classification: Benign for Amyotrophic lateral sclerosis type 6. Last evaluated: 2018-01-13. Review status: criteria provided, single submitter. Criteria: ICSL Variant Classification Criteria 13 December 2019. Collection method: clinical testing. Allele origin: germline.
Comment: This variant was observed in the ICSL laboratory as part of a predisposition screen in an ostensibly healthy population. It had not been previously curated by ICSL or reported in the Human Gene Mutation Database (HGMD: prior to June 1st, 2018), and was therefore a candidate for classification through an automated scoring system. Utilizing variant allele frequency, disease prevalence and penetrance estimates, and inheritance mode, an automated score was calculated to assess if this variant is too frequent to cause the disease. Based on the score and internal cut-off values, a variant classified as benign is not then subjected to further curation. The score for this variant resulted in a classification of benign for this disease.

NM_004960.3(FUS):c.*2884A>T

Gene: FUS (FUS DNA/RNA binding protein; plus strand). Cytogenetic location: 16p11.2.
Variant type: single nucleotide variant.
Coding change: c.*2884A>T on transcript NM_004960.3; 2884 bases downstream of the stop codon, A replaced by T.
Molecular consequence: 3 prime UTR variant (on NM_001170634.1). On other transcripts: non-coding transcript variant (1).
Genome position (GRCh38, 1-based): chr16:31,194,322, A>T. VCF-style: chr16-31194322-A-T. GRCh37 (hg19) VCF-style: chr16-31205643-A-T.
Other names: c.*2884A>T (NM_001170634.1, NM_001170937.1).
Identifiers: ClinVar variation 319045 (VCV000319045.7), dbSNP rs554281103, ClinGen allele CA8024361.